The following is an entry in ClinVar:

NM_014444.5(TUBGCP4):c.889+2T>C

Gene: TUBGCP4 (tubulin gamma complex component 4; plus strand). Cytogenetic location: 15q15.3.
Variant type: single nucleotide variant.
Coding change: c.889+2T>C on transcript NM_014444.5 (MANE Select); the canonical splice donor site of the intron after coding-DNA position 889, T replaced by C.
Molecular consequence: splice donor variant.
Genome position (GRCh38, 1-based): chr15:43,385,958, T>C. VCF-style: chr15-43385958-T-C. GRCh37 (hg19) VCF-style: chr15-43678156-T-C.
Other names: c.889+2T>C (NM_001286414.3).
Identifiers: ClinVar variation 1029278 (VCV001029278.9), dbSNP rs772200785, ClinGen allele CA392122837.

ClinVar aggregate classification (germline): Pathogenic/Likely pathogenic. Review status: criteria provided, multiple submitters, no conflicts (2 of 4 stars). 4 submissions from 4 submitters: Pathogenic (2); Likely pathogenic (2). Last evaluated 2024-02-02.

Conditions:
TUBGCP4-related disorder. Also called: TUBGCP4-related condition.
Microcephaly and chorioretinopathy 3. Also called: Microcephaly and chorioretinopathy, autosomal recessive, 3. Identifiers: MedGen C4225362, MONDO:0014592, OMIM 616335.

Allele frequency attached by ClinVar (database versions not stated): gnomAD exomes below 0.00001 and 0.00001.
gnomAD v4.1: 5 of 1,613,608 alleles (0.00031%); highest among the groups gnomAD compares: Non-Finnish European, 0.00042%; no homozygotes.

Submissions (4):

Blueprint Genetics
Classification: Likely pathogenic for TUBGCP4-related disorders. Last evaluated: 2024-02-02. Review status: criteria provided, single submitter. Criteria: ACMG Guidelines, 2015. Collection method: clinical testing. Allele origin: germline. Affected: yes. Observed: 1 variant allele.

GeneDx
Classification: Pathogenic. Last evaluated: 2023-06-12. Review status: criteria provided, single submitter. Criteria: GeneDx Variant Classification Process June 2021. Collection method: clinical testing. Allele origin: germline. Affected: yes.
Comment: Canonical splice site variant predicted to result in a null allele in a gene for which loss of function is a known mechanism of disease; Not observed at significant frequency in large population cohorts (gnomAD); Has not been previously published as pathogenic or benign in association with TUBGCP4-related microcephaly and chorioretinopathy to our knowledge; This variant is associated with the following publications: (PMID: 31964843)

Labcorp Genetics (formerly Invitae), Labcorp
Classification: Likely pathogenic. Last evaluated: 2021-12-03. Review status: criteria provided, single submitter. Criteria: Invitae Variant Classification Sherloc (09022015). Collection method: clinical testing. Allele origin: germline.
Comment: In summary, the currently available evidence indicates that the variant is pathogenic, but additional data are needed to prove that conclusively. Therefore, this variant has been classified as Likely Pathogenic. Algorithms developed to predict the effect of sequence changes on RNA splicing suggest that this variant may disrupt the consensus splice site. ClinVar contains an entry for this variant (Variation ID: 1029278). This variant has not been reported in the literature in individuals affected with TUBGCP4-related conditions. This variant is present in population databases (no rsID available, gnomAD 0.002%). This sequence change affects a donor splice site in intron 8 of the TUBGCP4 gene. It is expected to disrupt RNA splicing. Variants that disrupt the donor or acceptor splice site typically lead to a loss of protein function (PMID: 16199547), and loss-of-function variants in TUBGCP4 are known to be pathogenic (PMID: 25817018).

Baylor Genetics
Classification: Pathogenic for Microcephaly and chorioretinopathy 3. Last evaluated: 2020-08-04. Review status: criteria provided, single submitter. Criteria: ACMG Guidelines, 2015. Collection method: clinical testing. Allele origin: unknown. Affected: yes.
Comment: This variant was determined to be pathogenic according to ACMG Guidelines, 2015 [PMID:25741868].

Literature cited by the submitters: PubMed 16199547 (cited by Labcorp Genetics (formerly Invitae), Labcorp); PubMed 25817018 (cited by Labcorp Genetics (formerly Invitae), Labcorp).